The following is an entry in ClinVar:

ClinVar aggregate classification (germline): Uncertain significance (1 of 4 stars; one submission).

Submission:

Labcorp Genetics (formerly Invitae), Labcorp
Classification: Uncertain significance. Last evaluated: 2021-12-03. Review status: criteria provided, single submitter. Criteria: Invitae Variant Classification Sherloc (09022015). Collection method: clinical testing. Allele origin: germline.
Comment: This variant has not been reported in the literature in individuals affected with DLL4-related conditions. In summary, the available evidence is currently insufficient to determine the role of this variant in disease. Therefore, it has been classified as a Variant of Uncertain Significance. Algorithms developed to predict the effect of missense changes on protein structure and function output the following: SIFT: "Tolerated"; PolyPhen-2: "Benign"; Align-GVGD: "Class C0". The serine amino acid residue is found in multiple mammalian species, which suggests that this missense change does not adversely affect protein function. This variant is not present in population databases (gnomAD no frequency). This sequence change replaces threonine, which is neutral and polar, with serine, which is neutral and polar, at codon 163 of the DLL4 protein (p.Thr163Ser).

NM_019074.4(DLL4):c.488C>G (p.Thr163Ser)

Gene: DLL4 (delta like canonical Notch ligand 4; plus strand). Cytogenetic location: 15q15.1.
Variant type: single nucleotide variant.
Coding change: c.488C>G on transcript NM_019074.4 (MANE Select); coding-DNA position 488, C replaced by G.
Protein change: p.Thr163Ser; replaces threonine 163 with serine.
Molecular consequence: missense variant.
Genome position (GRCh38, 1-based): chr15:40,931,596, C>G. VCF-style: chr15-40931596-C-G. GRCh37 (hg19) VCF-style: chr15-41223794-C-G.
Other names: short protein forms T163S.
Identifiers: ClinVar variation 1365984 (VCV001365984.6), dbSNP rs1265549771, ClinGen allele CA391806859.